The following is an entry in ClinVar:

ClinVar aggregate classification (germline): Likely benign. Review status: criteria provided, multiple submitters, no conflicts (2 of 4 stars). 2 submissions from 2 submitters: Likely benign (2). Last evaluated 2026-07-21.

Conditions:
IFT88-related disorder. Also called: IFT88-related condition.

Allele frequency attached by ClinVar (database versions not stated): ESP Exome Variant Server 0.00008; gnomAD exomes 0.00012 and 0.00014; TOPMed 0.00012; gnomAD 0.00023 and 0.00025; ExAC 0.00028.
gnomAD v4.1: 232 of 1,589,586 alleles (0.015%); highest among the groups gnomAD compares: Non-Finnish European, 0.017%; 1 homozygote.

Submissions (2):

PreventionGenetics, part of Exact Sciences
Classification: Likely benign for IFT88-related condition. Last evaluated: 2026-07-21. Review status: criteria provided, single submitter. Criteria: ACMG Guidelines, 2015. Collection method: clinical testing. Allele origin: germline.
Comment: This variant is classified as likely benign based on ACMG/AMP sequence variant interpretation guidelines (Richards et al. 2015 PMID: 25741868, with internal and published modifications).

Labcorp Genetics (formerly Invitae), Labcorp
Classification: Likely benign. Last evaluated: 2025-05-23. Review status: criteria provided, single submitter. Criteria: Invitae Variant Classification Sherloc (09022015). Collection method: clinical testing. Allele origin: germline.

NM_006531.5(IFT88):c.492C>G (p.Ala164=)

Gene: IFT88 (intraflagellar transport 88; plus strand). Cytogenetic location: 13q12.11.
Variant type: single nucleotide variant.
Coding change: c.492C>G on transcript NM_006531.5 (MANE Select); coding-DNA position 492, C replaced by G.
Protein change: p.Ala164=; no amino-acid change (alanine 164 retained).
Molecular consequence: synonymous variant. On other transcripts: 5 prime UTR variant (1), non-coding transcript variant (5).
Genome position (GRCh38, 1-based): chr13:20,597,017, C>G. VCF-style: chr13-20597017-C-G. GRCh37 (hg19) VCF-style: chr13-21171156-C-G.
Other names: c.435C>G, p.Ala145= (NM_001318491.2, NM_001353573.2, NM_001353574.2 and 1 more transcripts); c.519C>G, p.Ala173= (NM_001318493.2, NM_001353565.2, NM_001353566.2 and 6 more transcripts); c.492C>G, p.Ala164= (NM_001353568.2, NM_001353571.2, NM_001353572.2 and 1 more transcripts); c.-142C>G (NM_001353579.2); c.519C>G (NM_175605.4).
Identifiers: ClinVar variation 1632074 (VCV001632074.10), dbSNP rs372502516, ClinGen allele CA6905117.